The following is an entry in ClinVar:

NM_020987.5(ANK3):c.3604A>G (p.Ile1202Val)

Gene: ANK3 (ankyrin 3; minus strand). Cytogenetic location: 10q21.2.
Variant type: single nucleotide variant.
Coding change: c.3604A>G on transcript NM_020987.5 (MANE Select); coding-DNA position 3604, A replaced by G.
Protein change: p.Ile1202Val; replaces isoleucine 1202 with valine.
Molecular consequence: missense variant.
Genome position (GRCh38, 1-based): chr10:60,086,821, T>C on the plus strand (A>G on the coding strand, the complement: ANK3 is on the minus strand). VCF-style: chr10-60086821-T-C. GRCh37 (hg19) VCF-style: chr10-61846579-T-C.
Other names: c.1006A>G, p.Ile336Val (NM_001149.4); c.3586A>G, p.Ile1196Val (NM_001204403.2); c.3607A>G, p.Ile1203Val (NM_001204404.2); c.3604A>G, p.Ile1202Val (NM_001320874.2); c.3604A>G (NM_020987.3); short protein forms I1196V, I1203V, I1202V, I336V.
Identifiers: ClinVar variation 1408693 (VCV001408693.7), dbSNP rs138308296, ClinGen allele CA5512438.

ClinVar aggregate classification (germline): Uncertain significance. Review status: criteria provided, multiple submitters, no conflicts (2 of 4 stars). 3 submissions from 3 submitters: Uncertain significance (3). Last evaluated 2025-07-31.

Conditions:
Inborn genetic diseases. Identifiers: MedGen C0950123, MeSH D030342.

Allele frequency attached by ClinVar (database versions not stated): gnomAD exomes 0.00007 and 0.00010; gnomAD 0.00009 and 0.00010; ExAC 0.00010; ESP Exome Variant Server 0.00023.
gnomAD v4.1: 128 of 1,613,888 alleles (0.0079%); highest among the groups gnomAD compares: Middle Eastern, 0.049%; no homozygotes.

Submissions (3):

Labcorp Genetics (formerly Invitae), Labcorp
Classification: Uncertain significance. Last evaluated: 2025-07-31. Review status: criteria provided, single submitter. Criteria: Invitae Variant Classification Sherloc (09022015). Collection method: clinical testing. Allele origin: germline.
Comment: This sequence change replaces isoleucine, which is neutral and non-polar, with valine, which is neutral and non-polar, at codon 1202 of the ANK3 protein (p.Ile1202Val). This variant is present in population databases (rs138308296, gnomAD 0.02%). This variant has not been reported in the literature in individuals affected with ANK3-related conditions. ClinVar contains an entry for this variant (Variation ID: 1408693). Invitae Evidence Modeling of protein sequence and biophysical properties (such as structural, functional, and spatial information, amino acid conservation, physicochemical variation, residue mobility, and thermodynamic stability) indicates that this missense variant is not expected to disrupt ANK3 protein function with a negative predictive value of 80%. In summary, the available evidence is currently insufficient to determine the role of this variant in disease. Therefore, it has been classified as a Variant of Uncertain Significance.

Revvity Omics, Revvity
Classification: Uncertain significance. Last evaluated: 2024-08-23. Review status: criteria provided, single submitter. Criteria: ACMG Guidelines, 2015. Collection method: clinical testing. Allele origin: germline.

Ambry Genetics
Classification: Uncertain significance for Inborn genetic diseases. Last evaluated: 2022-05-09. Review status: criteria provided, single submitter. Criteria: Ambry Variant Classification Scheme 2023. Collection method: clinical testing. Allele origin: germline.